The following is an entry in ClinVar:

ClinVar aggregate classification (germline): Likely pathogenic. Review status: criteria provided, single submitter (1 of 4 stars). 2 submissions from 2 submitters: Likely pathogenic (1). 1 of the submissions does not count toward it. Last evaluated 2026-07-29.

Conditions:
KRIT1-related disorder. Also called: KRIT1-related condition; KRIT1-related disorders.

Allele frequency attached by ClinVar (database versions not stated): gnomAD 0.00001; TOPMed 0.00001.

Submissions (2):

GeneDx
Classification: Likely pathogenic. Last evaluated: 2026-07-29. Review status: criteria provided, single submitter. Criteria: GeneDx Variant Classification Process June 2021. Collection method: clinical testing. Allele origin: germline.
Comment: Canonical splice site variant predicted to result in an in-frame loss of the adjacent exon in a gene for which loss of function is a known mechanism of disease; Not observed at significant frequency in large population cohorts (gnomAD); Has not been previously published as pathogenic or benign to our knowledge

PreventionGenetics, part of Exact Sciences
Classification: Uncertain significance for KRIT1-related condition. Last evaluated: 2023-12-21. Review status: no assertion criteria provided. Collection method: clinical testing. Allele origin: germline. Not counted in ClinVar's aggregate classification.
Comment: The KRIT1 c.2142+2dupT variant is predicted to result in an intronic duplication. To our knowledge, this variant has not been reported in the literature or in a large population database, indicating this variant is rare. Different nucleotide substitutions that abolish this GT donor splice site sequence (c.2142+2T>G, c.2142+1G>C) have been reported to be causative for autosomal dominant cerebral cavernous malformations (Human Gene Mutation Database). However, the c.2142+2dup variant seen in this patient is predicted to keep the GT splice donor site sequence intact. Although we suspect that this variant may be pathogenic, at this time, the clinical significance of this variant is uncertain due to the absence of conclusive functional and genetic evidence.

NM_194454.3(KRIT1):c.2142+2dup

Gene: KRIT1 (KRIT1 ankyrin repeat containing; minus strand). Cytogenetic location: 7q21.2.
Variant type: Duplication.
Coding change: c.2142+2dup on transcript NM_194454.3 (MANE Select); the canonical splice donor site of the intron after coding-DNA position 2142, one base duplicated (T; older notation c.2142+2dupT).
Molecular consequence: splice donor variant.
Genome position (GRCh38, 1-based): chr7:92,201,305, A duplicated on the plus strand (T on the coding strand, the reverse complement: KRIT1 is on the minus strand). VCF-style (leftmost placement, unchanged base first): chr7-92201304-T-TA. GRCh37 (hg19) VCF-style: chr7-91830618-T-TA.
Other names: c.2142+2dup (NM_001350672.1, NM_001350676.1, NM_001350673.1 and 26 more transcripts); c.1998+2dup (NM_001350669.1, NM_001013406.2, NM_001350670.1); c.1428+2dup (NM_001350671.1); c.2142+2dupT (NM_194456.1).
Identifiers: ClinVar variation 2581882 (VCV002581882.4), dbSNP rs1462431994, ClinGen allele CA843829444.